The following is an entry in ClinVar:

NM_032578.4(MYPN):c.2703+17_2703+18delinsCG

Gene: MYPN (myopalladin; plus strand). Cytogenetic location: 10q21.3.
Variant type: Indel.
Coding change: c.2703+17_2703+18delinsCG on transcript NM_032578.4 (MANE Select); bases 17 to 18 of the intron after coding-DNA position 2703, TA replaced by CG.
Molecular consequence: intron variant.
Genome position (GRCh38, 1-based): chr10:68,175,478-68,175,479, TA replaced by CG. VCF-style: chr10-68175478-TA-CG. GRCh37 (hg19) VCF-style: chr10-69935235-TA-CG.
Other names: c.2703+17_2703+18delinsCG (NM_001256267.2); c.1821+17_1821+18delinsCG (NM_001256268.2).
Identifiers: ClinVar variation 1588223 (VCV001588223.9), dbSNP rs2134205089, ClinGen allele CA2573145237.

ClinVar aggregate classification (germline): Likely benign. Review status: criteria provided, multiple submitters, no conflicts (2 of 4 stars). 2 submissions from 2 submitters: Likely benign (2). Last evaluated 2026-01-12.

Conditions:
Dilated cardiomyopathy 1KK (CMD1KK). Identifiers: Orphanet 154, Orphanet 75249, MedGen C3714995, MONDO:0014100, OMIM 615248.

Submissions (2):

Labcorp Genetics (formerly Invitae), Labcorp
Classification: Likely benign for Dilated cardiomyopathy 1KK. Last evaluated: 2026-01-12. Review status: criteria provided, single submitter. Criteria: Invitae Variant Classification Sherloc (09022015). Collection method: clinical testing. Allele origin: germline.

Women's Health and Genetics/Laboratory Corporation of America, LabCorp
Classification: Likely benign. Last evaluated: 2023-10-23. Review status: criteria provided, single submitter. Criteria: LabCorp Variant Classification Summary - May 2015. Collection method: clinical testing. Allele origin: germline.
Comment: Variant summary: MYPN c.2703+17_2703+18delinsCG alters a nucleotide located at a position not widely known to affect splicing. Consensus agreement among computation tools predict no significant impact on normal splicing. However, these predictions have yet to be confirmed by functional studies. To our knowledge, no occurrence of c.2703+17_2703+18delinsCG in individuals affected with Cardiomyopathy and no experimental evidence demonstrating its impact on protein function have been reported. One submitter has cited clinical-significance assessments for this variant to ClinVar after 2014 and has classified the variant as likely benign. Based on the evidence outlined above, the variant was classified as likely benign.